The following is an entry in ClinVar:

ClinVar aggregate classification (germline): Uncertain significance. Review status: criteria provided, multiple submitters, no conflicts (2 of 4 stars). 2 submissions from 2 submitters: Uncertain significance (2). Last evaluated 2025-12-21.

Conditions:
SLC35A2-congenital disorder of glycosylation. Also called: CONGENITAL DISORDER OF GLYCOSYLATION, TYPE IIm; CDG IIm; CONGENITAL DISORDER OF GLYCOSYLATION, TYPE IIm, SOMATIC MOSAIC; EPILEPTIC ENCEPHALOPATHY, EARLY INFANTILE, 22; DEVELOPMENTAL AND EPILEPTIC ENCEPHALOPATHY 22; SLC35A2-CDG. Identifiers: Orphanet 356961, MedGen C3806688, MONDO:0010478, OMIM 300896.

Submissions (2):

3billion
Classification: Uncertain significance for SLC35A2-congenital disorder of glycosylation. Last evaluated: 2025-12-21. Review status: criteria provided, single submitter. Criteria: ACMG Guidelines, 2015. Collection method: clinical testing. Allele origin: germline. Affected: yes.
Comment: The variant is not observed in the gnomAD v4.1.0 dataset. Predicted Consequence/Location: Missense variant In silico tool predictions suggest damaging effect of the variant on gene or gene product [3Cnet: 0.92 (> 0.75, sensitivity 0.96 and precision 0.92)]. The same nucleotide change resulting in the same amino acid change has been previously reported to be associated with SLC35A2-related disorder (PMID: 29302074). However, the evidence of pathogenicity is insufficient at this time. Therefore, this variant is classified as VUS according to the recommendation of ACMG/AMP guideline.

Laboratorio de Genetica e Diagnostico Molecular, Hospital Israelita Albert Einstein
Classification: Uncertain significance for SLC35A2-congenital disorder of glycosylation. Last evaluated: 2023-07-13. Review status: criteria provided, single submitter. Criteria: ACMG Guidelines, 2015. Collection method: clinical testing. Allele origin: germline. Affected: yes.
Comment: ACMG classification criteria: PS4 supporting, PM2 moderate

Literature cited by the submitters: PubMed 29302074 (cited by 3billion).

NM_005660.3(SLC35A2):c.350T>C (p.Val117Ala)

Gene: SLC35A2 (solute carrier family 35 member A2; minus strand). Cytogenetic location: Xp11.23.
Variant type: single nucleotide variant.
Coding change: c.350T>C on transcript NM_005660.3 (MANE Select); coding-DNA position 350, T replaced by C.
Protein change: p.Val117Ala; replaces valine 117 with alanine.
Molecular consequence: missense variant.
Genome position (GRCh38, 1-based): chrX:48,906,468, A>G on the plus strand (T>C on the coding strand, the complement: SLC35A2 is on the minus strand). VCF-style: chrX-48906468-A-G. GRCh37 (hg19) VCF-style: chrX-48763745-A-G.
Other names: c.350T>C, p.Val117Ala (NM_001032289.3, NM_001042498.3, NM_001282647.2); c.278T>C, p.Val93Ala (NM_001282648.2); c.167T>C, p.Val56Ala (NM_001282649.2); c.389T>C, p.Val130Ala (NM_001282650.2); c.434T>C, p.Val145Ala (NM_001282651.2); short protein forms V117A, V130A, V145A, V56A, V93A.
Identifiers: ClinVar variation 4076177 (VCV004076177.2).